The following is an entry in ClinVar:

NM_032242.4(PLXNA1):c.5567A>G (p.Tyr1856Cys)

Gene: PLXNA1 (plexin A1; plus strand). Cytogenetic location: 3q21.3.
Variant type: single nucleotide variant.
Coding change: c.5567A>G on transcript NM_032242.4 (MANE Select); coding-DNA position 5567, A replaced by G.
Protein change: p.Tyr1856Cys; replaces tyrosine 1856 with cysteine.
Molecular consequence: missense variant.
Genome position (GRCh38, 1-based): chr3:127,032,808, A>G. VCF-style: chr3-127032808-A-G. GRCh37 (hg19) VCF-style: chr3-126751651-A-G.
Other names: short protein forms Y1856C.
Identifiers: ClinVar variation 3345332 (VCV003345332.1).

ClinVar aggregate classification (germline): Uncertain significance (0 of 4 stars; one submission).

Conditions:
PLXNA1-related disorder. Also called: PLXNA1-related condition.

Submission:

PreventionGenetics, part of Exact Sciences
Classification: Uncertain significance for PLXNA1-related condition. Last evaluated: 2024-06-14. Review status: no assertion criteria provided. Collection method: clinical testing. Allele origin: germline.
Comment: The PLXNA1 c.5567A>G variant is predicted to result in the amino acid substitution p.Tyr1856Cys. To our knowledge, this variant has not been reported in the literature or in a large population database, indicating this variant is rare. At this time, the clinical significance of this variant is uncertain due to the absence of conclusive functional and genetic evidence.